The following is an entry in ClinVar:

ClinVar aggregate classification (germline): Conflicting classifications of pathogenicity. Review status: criteria provided, conflicting classifications (1 of 4 stars). 3 submissions from 3 submitters: Likely pathogenic (1); Uncertain significance (2). Last evaluated 2023-12-26.

Conditions:
Hereditary nonpolyposis colorectal neoplasms. Identifiers: MedGen C0009405, MeSH D003123.
Hereditary cancer-predisposing syndrome. Also called: Neoplastic Syndromes, Hereditary; Hereditary Cancer Syndrome; Hereditary neoplastic syndrome; Tumor predisposition. Identifiers: Orphanet 140162, MedGen C0027672, MeSH D009386, MONDO:0015356.
Lynch syndrome. Identifiers: Orphanet 144, MedGen C4552100, MONDO:0005835. Disease mechanism: loss of function.

Submissions (3):

Ambry Genetics
Classification: Uncertain significance for Hereditary cancer-predisposing syndrome. Last evaluated: 2023-12-26. Review status: criteria provided, single submitter. Criteria: Ambry Variant Classification Scheme 2023. Collection method: clinical testing. Allele origin: germline.
Comment: The p.F706L variant (also known as c.2118T>A), located in coding exon 4 of the MSH6 gene, results from a T to A substitution at nucleotide position 2118. The phenylalanine at codon 706 is replaced by leucine, an amino acid with highly similar properties. This amino acid position is highly conserved in available vertebrate species. In addition, this alteration is predicted to be deleterious by in silico analysis. Since supporting evidence is limited at this time, the clinical significance of this alteration remains unclear.

All of Us Research Program, National Institutes of Health
Classification: Uncertain significance for Lynch syndrome. Last evaluated: 2023-11-20. Review status: criteria provided, single submitter. Criteria: ACMG Guidelines, 2015. Collection method: clinical testing. Allele origin: germline. Inheritance: Autosomal dominant inheritance. Observed: 1 variant allele, 1 heterozygote.
Comment: This missense variant replaces phenylalanine with leucine at codon 706 of the MSH6 protein. Computational prediction suggests that this variant may have deleterious impact on protein structure and function (internally defined REVEL score threshold >= 0.7, PMID: 27666373). To our knowledge, functional studies have not been reported for this variant. This variant has not been reported in individuals affected with MSH6-related disorders in the literature. A different missense variant occurring at the same codon, p.Phe706Ser, is known to be disease-causing (ClinVar variation ID: 89254). This variant has not been identified in the general population by the Genome Aggregation Database (gnomAD). The available evidence is insufficient to determine the role of this variant in disease conclusively. Therefore, this variant is classified as a Variant of Uncertain Significance.

This study involves interpretation of variants in research participants for the purpose of population health screening. Participant phenotype was not available at the time of variant classification. Additional details can be found in publication PMID: 35346344, PMCID: PMC8962531

Labcorp Genetics (formerly Invitae), Labcorp
Classification: Likely pathogenic for Hereditary nonpolyposis colorectal neoplasms. Last evaluated: 2022-08-23. Review status: criteria provided, single submitter. Criteria: Invitae Variant Classification Sherloc (09022015). Collection method: clinical testing. Allele origin: germline.
Comment: In summary, the currently available evidence indicates that the variant is pathogenic, but additional data are needed to prove that conclusively. Therefore, this variant has been classified as Likely Pathogenic. This variant disrupts the p.Phe706 amino acid residue in MSH6. Other variant(s) that disrupt this residue have been determined to be pathogenic (PMID: 23621914, 24362816, 28531214). This suggests that this residue is clinically significant, and that variants that disrupt this residue are likely to be disease-causing. Algorithms developed to predict the effect of sequence changes on RNA splicing suggest that this variant may create or strengthen a splice site. Advanced modeling of protein sequence and biophysical properties (such as structural, functional, and spatial information, amino acid conservation, physicochemical variation, residue mobility, and thermodynamic stability) performed at Invitae indicates that this missense variant is expected to disrupt MSH6 protein function. ClinVar contains an entry for this variant (Variation ID: 1061407). This variant has not been reported in the literature in individuals affected with MSH6-related conditions. This variant is not present in population databases (gnomAD no frequency). This sequence change replaces phenylalanine, which is neutral and non-polar, with leucine, which is neutral and non-polar, at codon 706 of the MSH6 protein (p.Phe706Leu).

Literature cited by the submitters: PubMed 23621914 (cited by Labcorp Genetics (formerly Invitae), Labcorp); PubMed 24362816 (cited by Labcorp Genetics (formerly Invitae), Labcorp); PubMed 28531214 (cited by Labcorp Genetics (formerly Invitae), Labcorp).

NM_000179.3(MSH6):c.2118T>A (p.Phe706Leu)

Gene: MSH6 (mutS homolog 6; plus strand). Cytogenetic location: 2p16.3.
Variant type: single nucleotide variant.
Coding change: c.2118T>A on transcript NM_000179.3 (MANE Select); coding-DNA position 2118, T replaced by A.
Protein change: p.Phe706Leu; replaces phenylalanine 706 with leucine.
Molecular consequence: missense variant.
Genome position (GRCh38, 1-based): chr2:47,800,101, T>A. VCF-style: chr2-47800101-T-A. GRCh37 (hg19) VCF-style: chr2-48027240-T-A.
Other names: c.2118T>A (NM_000179.2); c.1728T>A, p.Phe576Leu (NM_001281492.2); c.1212T>A, p.Phe404Leu (NM_001281493.2, NM_001281494.2); short protein forms F404L, F576L, F706L.
Identifiers: ClinVar variation 1061407 (VCV001061407.11), dbSNP rs2104389604, ClinGen allele CA346750974.